The following is an entry in ClinVar:

ClinVar aggregate classification (germline): Uncertain significance. Review status: criteria provided, multiple submitters, no conflicts (2 of 4 stars). 3 submissions from 3 submitters: Uncertain significance (2). 1 of the submissions does not count toward it. Last evaluated 2025-11-24.

Conditions:
Inborn genetic diseases. Identifiers: MedGen C0950123, MeSH D030342.

Allele frequency attached by ClinVar (database versions not stated): gnomAD 0.00007 and 0.00006; ESP Exome Variant Server 0.00008; TOPMed 0.00006.

Submissions (3):

Ambry Genetics
Classification: Uncertain significance for Inborn genetic diseases. Last evaluated: 2025-11-24. Review status: criteria provided, single submitter. Criteria: Ambry Variant Classification Scheme 2023. Collection method: clinical testing. Allele origin: germline.

Labcorp Genetics (formerly Invitae), Labcorp
Classification: Uncertain significance. Last evaluated: 2023-07-28. Review status: criteria provided, single submitter. Criteria: Invitae Variant Classification Sherloc (09022015). Collection method: clinical testing. Allele origin: germline.
Comment: This sequence change replaces methionine, which is neutral and non-polar, with leucine, which is neutral and non-polar, at codon 179 of the LMBR1 protein (p.Met179Leu). This variant is present in population databases (rs138964269, gnomAD 0.009%). This variant has not been reported in the literature in individuals affected with LMBR1-related conditions. ClinVar contains an entry for this variant (Variation ID: 1050019). Advanced modeling of protein sequence and biophysical properties (such as structural, functional, and spatial information, amino acid conservation, physicochemical variation, residue mobility, and thermodynamic stability) performed at Invitae indicates that this missense variant is not expected to disrupt LMBR1 protein function. In summary, the available evidence is currently insufficient to determine the role of this variant in disease. Therefore, it has been classified as a Variant of Uncertain Significance.

Department of Pathology and Laboratory Medicine, Sinai Health System
Classification: Uncertain significance. Review status: no assertion criteria provided. Collection method: clinical testing. Allele origin: unknown. Affected: yes. Study: The Canadian Open Genetics Repository (COGR). Not counted in ClinVar's aggregate classification.
Comment: The LMBR1 p.Met179Leu variant was not identified in the literature nor was it identified in ClinVar or LOVD 3.0. The variant was identified in dbSNP (ID: rs138964269) and in control databases in 3 of 259696 chromosomes at a frequency of 0.00001155 (Genome Aggregation Database March 6, 2019, v2.1.1). The variant was observed in the following populations: African in 2 of 23514 chromosomes (freq: 0.000085) and South Asian in 1 of 25862 chromosomes (freq: 0.000039), but was not observed in the Latino, Ashkenazi Jewish, East Asian, European (Finnish), European (non-Finnish), and Other populations. The p.Met179 residue is conserved in mammals but not in more distantly related organisms however four out of five computational analyses (PolyPhen-2, SIFT, AlignGVGD, BLOSUM, MutationTaster) do not suggest a high likelihood of impact to the protein; this information is not predictive enough to rule out pathogenicity. The variant occurs outside of the splicing consensus sequence and in silico or computational prediction software programs (SpliceSiteFinder, MaxEntScan, NNSPLICE, GeneSplicer) do not predict a difference in splicing. In summary, based on the above information the clinical significance of this variant cannot be determined with certainty at this time. This variant is classified as a variant of uncertain significance.

NM_022458.4(LMBR1):c.535A>T (p.Met179Leu)

Gene: LMBR1 (limb development membrane protein 1; minus strand). Cytogenetic location: 7q36.3.
Variant type: single nucleotide variant.
Coding change: c.535A>T on transcript NM_022458.4 (MANE Select); coding-DNA position 535, A replaced by T.
Protein change: p.Met179Leu; replaces methionine 179 with leucine.
Molecular consequence: missense variant. On other transcripts: non-coding transcript variant (2).
Genome position (GRCh38, 1-based): chr7:156,763,684, T>A on the plus strand (A>T on the coding strand, the complement: LMBR1 is on the minus strand). VCF-style: chr7-156763684-T-A. GRCh37 (hg19) VCF-style: chr7-156556378-T-A.
Other names: c.535A>T (NM_022458.3); c.535A>T, p.Met179Leu (NM_001350953.2, NM_001363409.2, NM_001363410.2); c.256A>T, p.Met86Leu (NM_001350954.2); c.79A>T, p.Met27Leu (NM_001350955.2, NM_001350956.2, NM_001350958.2 and 1 more transcripts); c.166A>T, p.Met56Leu (NM_001350957.2, NM_001363411.2); c.472A>T, p.Met158Leu (NM_001363412.2); short protein forms M158L, M179L, M27L, M56L, M86L.
Identifiers: ClinVar variation 1050019 (VCV001050019.9), dbSNP rs138964269, ClinGen allele CA4588092.